The following is an entry in ClinVar:

NM_003361.4(UMOD):c.149G>C (p.Cys50Ser)

Gene: UMOD (uromodulin; minus strand). Cytogenetic location: 16p12.3.
Variant type: single nucleotide variant.
Coding change: c.149G>C on transcript NM_003361.4 (MANE Select); coding-DNA position 149, G replaced by C.
Protein change: p.Cys50Ser; replaces cysteine 50 with serine.
Molecular consequence: missense variant. On other transcripts: non-coding transcript variant (1).
Genome position (GRCh38, 1-based): chr16:20,349,152, C>G on the plus strand (G>C on the coding strand, the complement: UMOD is on the minus strand). VCF-style: chr16-20349152-C-G. GRCh37 (hg19) VCF-style: chr16-20360474-C-G.
Other names: c.149G>C, p.Cys50Ser (NM_001008389.3, NM_001378232.1, NM_001378233.1 and 3 more transcripts); c.248G>C, p.Cys83Ser (NM_001278614.2); short protein forms C50S, C83S.
Identifiers: ClinVar variation 4819083 (VCV004819083.1).
Genomic context (GRCh38, chr16:20,349,152, plus strand): 5'-GCGCACTCATCCAGGTCCACGCAGGTCAGGCCATCGCCGGTGAAGCCCTCCTGACAGGTG[C>G]ACGTCGTAACGGCCTCATCCTCCGTGCAGGTGGCATTGCTGTGACATTCAGAGCACCATC-3'
Protein context (NP_003352.2, residues 40-60): TCTEDEAVTT[Cys50Ser]TCQEGFTGDG

ClinVar aggregate classification (germline): Likely pathogenic (1 of 4 stars; one submission).

Conditions:
Familial juvenile hyperuricemic nephropathy type 1 (ADTKD1). Also called: Autosomal Dominant Tubulointerstitial Kidney Disease – UMOD; Glomerulocystic kidney disease with hyperuricemia and isosthenuria; Medullary cystic kidney disease 2; UMOD-Associated Kidney Disease; Uromodulin-associated kidney disease. Identifiers: Orphanet 209886, Orphanet 34149, Orphanet 88950, MedGen C4551496, MONDO:0008073, OMIM 162000.

Submission:

Victorian Clinical Genetics Services, Murdoch Childrens Research Institute
Classification: Likely pathogenic for Familial juvenile hyperuricemic nephropathy type 1. Last evaluated: 2025-11-25. Review status: criteria provided, single submitter. Criteria: ACMG Guidelines, 2015. Collection method: clinical testing. Allele origin: germline. Affected: yes.
Comment: This variant is classified as Likely pathogenic. Evidence in support of pathogenic classification: Variant is absent from gnomAD (v2, v3 and v4); This variant has limited previous evidence of pathogenicity in an unrelated individual(s). This variant has been reported in the literature in a family with UMOD-related features (PMID: 18950917); Another missense variant comparable to the one identified in this case has limited previous evidence for pathogenicity. p.(Cys50Trp) has been identified as de novo in an individual with cystic kidney disease and nephronophthisis (VCGS internal data; PMID: 32939031); Variant is located in the well-established EGF domain and affects a cysteine residue (DECIPHER, PMID: 21868615); Missense variant predicted to be damaging by in silico tool(s) or highly conserved with a major amino acid change. Additional information: Variant is predicted to result in a missense amino acid change from Cys to Ser; This variant is heterozygous; This gene is associated with autosomal dominant disease; Segregation evidence for this variant is inconclusive. This variant has been reported to segregate with UMOD-related renal disease in an affected father and son (PMID: 18950917); No published functional evidence has been identified for this variant; Dominant negative is a known mechanism of disease in this gene and is associated with autosomal dominant tubulointerstitial kidney disease 1 (MIM#162000) (PMID: 22117067); Variants in this gene are known to have variable expressivity. Intrafamilial variability has been described (PMID: 21868615); Inheritance information for this variant is not currently available in this individual.

Literature cited by the submitters: PubMed 32939031; PubMed 21868615; PubMed 22117067; PubMed 18950917.